The following is an entry in ClinVar:

NC_000004.11:g.(?_15529050)_(15554948_?)del

Gene: CC2D2A (coiled-coil and C2 domain containing 2A; plus strand). Cytogenetic location: 4p15.32.
Variant type: Deletion.
Identifiers: ClinVar variation 3246610 (VCV003246610.1).

ClinVar aggregate classification (germline): Pathogenic (1 of 4 stars; one submission).

Conditions:
Joubert syndrome. Also called: CEREBELLOPARENCHYMAL DISORDER IV; JOUBERT-BOLTSHAUSER SYNDROME; Familial aplasia of the vermis. Identifiers: Orphanet 475, MedGen C5979921, MONDO:0018772.
Meckel-Gruber syndrome. Also called: DYSENCEPHALIA SPLANCHNOCYSTICA; GRUBER SYNDROME; Dysencephalia splachnocystica. Identifiers: Orphanet 564, MedGen C0265215, MONDO:0018921.

Submission:

Labcorp Genetics (formerly Invitae), Labcorp
Classification: Pathogenic for Joubert syndrome; Meckel-Gruber syndrome. Last evaluated: 2023-02-25. Review status: criteria provided, single submitter. Criteria: Invitae Variant Classification Sherloc (09022015). Collection method: clinical testing. Allele origin: unknown.
Comment: This variant is a gross deletion of the genomic region encompassing exon(s) 13-20 of the CC2D2A gene. This deletion is out-of-frame, and is expected to create a premature termination codon and result in an absent or disrupted protein product. Loss-of-function variants in CC2D2A are known to be pathogenic (PMID: 19777577). This variant has not been reported in the literature in individuals affected with CC2D2A-related conditions. For these reasons, this variant has been classified as Pathogenic.

Literature cited by the submitters: PubMed 19777577.